The following is an entry in ClinVar:

NM_020975.6(RET):c.591C>T (p.Cys197=)

Gene: RET (ret proto-oncogene; plus strand). Cytogenetic location: 10q11.21.
Variant type: single nucleotide variant.
Coding change: c.591C>T on transcript NM_020975.6 (MANE Select); coding-DNA position 591, C replaced by T.
Protein change: p.Cys197=; no amino-acid change (cysteine 197 retained).
Molecular consequence: synonymous variant. On other transcripts: intron variant (15).
Genome position (GRCh38, 1-based): chr10:43,102,595, C>T. VCF-style: chr10-43102595-C-T. GRCh37 (hg19) VCF-style: chr10-43598043-C-T.
Other names: c.591C>T, p.Cys197= (NM_000323.2, NM_001406743.1, NM_001406744.1 and 16 more transcripts); c.462C>T, p.Cys154= (NM_001406761.1, NM_001406762.1, NM_001406764.1 and 4 more transcripts); c.337+1873C>T (NM_001406770.1, NM_001406766.1, NM_001406767.1 and 8 more transcripts); c.74-6436C>T (NM_001406784.1); c.74-9504C>T (NM_001406794.1, NM_001406792.1, NM_001406793.1).
Identifiers: ClinVar variation 1750494 (VCV001750494.4), dbSNP rs764910706, ClinGen allele CA043995.

ClinVar aggregate classification (germline): Likely benign. Review status: criteria provided, multiple submitters, no conflicts (2 of 4 stars). 3 submissions from 3 submitters: Likely benign (3). Last evaluated 2025-07-16.

Conditions:
Hereditary cancer-predisposing syndrome. Also called: Hereditary Cancer Syndrome; Hereditary neoplastic syndrome; Neoplastic Syndromes, Hereditary; Tumor predisposition. Identifiers: Orphanet 140162, MedGen C0027672, MeSH D009386, MONDO:0015356.
Multiple endocrine neoplasia, type 2 (MEN2). Identifiers: Orphanet 653, MedGen C4048306, MONDO:0019003. Disease mechanism: gain of function.

Allele frequency attached by ClinVar (database versions not stated): gnomAD exomes below 0.00001; TOPMed below 0.00001; ExAC 0.00001.
gnomAD v4.1: 2 of 1,614,198 alleles (0.00012%); highest among the groups gnomAD compares: South Asian, 0.0011%; no homozygotes.

Submissions (3):

Labcorp Genetics (formerly Invitae), Labcorp
Classification: Likely benign for Multiple endocrine neoplasia, type 2. Last evaluated: 2025-07-16. Review status: criteria provided, single submitter. Criteria: Invitae Variant Classification Sherloc (09022015). Collection method: clinical testing. Allele origin: germline.

All of Us Research Program, National Institutes of Health
Classification: Likely benign for Multiple endocrine neoplasia, type 2. Last evaluated: 2024-05-30. Review status: criteria provided, single submitter. Criteria: ACMG Guidelines, 2015. Collection method: clinical testing. Allele origin: germline. Inheritance: Autosomal dominant inheritance. Observed: 1 variant allele, 1 heterozygote.
Comment: This study involves interpretation of variants in research participants for the purpose of population health screening. Participant phenotype was not available at the time of variant classification. Additional details can be found in publication PMID: 35346344, PMCID: PMC8962531

Ambry Genetics
Classification: Likely benign for Hereditary cancer-predisposing syndrome. Last evaluated: 2022-06-02. Review status: criteria provided, single submitter. Criteria: Ambry Variant Classification Scheme 2023. Collection method: clinical testing. Allele origin: germline.